The following is an entry in ClinVar:

ClinVar aggregate classification (germline): Uncertain significance. Review status: criteria provided, multiple submitters, no conflicts (2 of 4 stars). 7 submissions from 7 submitters: Uncertain significance (6). 1 of the submissions does not count toward it. Last evaluated 2025-05-17.

Conditions:
Familial adenomatous polyposis 1 (FAP1). Also called: FAMILIAL ADENOMATOUS POLYPOSIS 1, ATTENUATED; POLYPOSIS, ADENOMATOUS INTESTINAL. Identifiers: MedGen C2713442, MONDO:0021056, OMIM 175100. Disease mechanism: loss of function.
Hereditary cancer-predisposing syndrome. Also called: Tumor predisposition; Hereditary Cancer Syndrome; Hereditary neoplastic syndrome; Neoplastic Syndromes, Hereditary. Identifiers: Orphanet 140162, MedGen C0027672, MeSH D009386, MONDO:0015356.
Classic or attenuated familial adenomatous polyposis. Identifiers: MedGen CN372698, MONDO:0021057.

Allele frequency attached by ClinVar (database versions not stated): gnomAD exomes below 0.00001; TOPMed below 0.00001.
gnomAD v4.1: 5 of 1,602,442 alleles (0.00031%); highest among the groups gnomAD compares: Non-Finnish European, 0.00043%; no homozygotes.

Submissions (7):

Ambry Genetics
Classification: Uncertain significance for Hereditary cancer-predisposing syndrome. Last evaluated: 2025-05-17. Review status: criteria provided, single submitter. Criteria: Ambry Variant Classification Scheme 2023. Collection method: clinical testing. Allele origin: germline.
Comment: The p.T2807P variant (also known as c.8419A>C), located in coding exon 15 of the APC gene, results from an A to C substitution at nucleotide position 8419. The threonine at codon 2807 is replaced by proline, an amino acid with highly similar properties. This amino acid position is highly conserved in available vertebrate species. In addition, in silico predictors for this gene do not accurately predict pathogenicity. Since supporting evidence is limited at this time, the clinical significance of this alteration remains unclear.

Labcorp Genetics (formerly Invitae), Labcorp
Classification: Uncertain significance for Familial adenomatous polyposis 1. Last evaluated: 2024-09-15. Review status: criteria provided, single submitter. Criteria: Invitae Variant Classification Sherloc (09022015). Collection method: clinical testing. Allele origin: germline.
Comment: This sequence change replaces threonine, which is neutral and polar, with proline, which is neutral and non-polar, at codon 2807 of the APC protein (p.Thr2807Pro). This variant is not present in population databases (gnomAD no frequency). This variant has not been reported in the literature in individuals affected with APC-related conditions. ClinVar contains an entry for this variant (Variation ID: 411366). Invitae Evidence Modeling of protein sequence and biophysical properties (such as structural, functional, and spatial information, amino acid conservation, physicochemical variation, residue mobility, and thermodynamic stability) indicates that this missense variant is not expected to disrupt APC protein function with a negative predictive value of 95%. In summary, the available evidence is currently insufficient to determine the role of this variant in disease. Therefore, it has been classified as a Variant of Uncertain Significance.

Color Diagnostics, LLC DBA Color Health
Classification: Uncertain significance for Hereditary cancer-predisposing syndrome. Last evaluated: 2024-07-01. Review status: criteria provided, single submitter. Criteria: ACMG Guidelines, 2015. Collection method: clinical testing. Allele origin: germline.
Comment: This missense variant replaces threonine with proline at codon 2807 of the APC protein. Computational prediction suggests that this variant may not impact protein structure and function (internally defined REVEL score threshold <= 0.5, PMID: 27666373). To our knowledge, functional studies have not been reported for this variant. This variant has not been reported in individuals affected with APC-related disorders in the literature. This variant has not been identified in the general population by the Genome Aggregation Database (gnomAD). The available evidence is insufficient to determine the role of this variant in disease conclusively. Therefore, this variant is classified as a Variant of Uncertain Significance.

All of Us Research Program, National Institutes of Health
Classification: Uncertain significance for Classic or attenuated familial adenomatous polyposis. Last evaluated: 2024-04-25. Review status: criteria provided, single submitter. Criteria: ACMG Guidelines, 2015. Collection method: clinical testing. Allele origin: germline. Inheritance: Autosomal dominant inheritance. Observed: 2 variant alleles, 2 heterozygotes.
Comment: This missense variant replaces threonine with proline at codon 2807 of the APC protein. Computational prediction tools and conservation analyses are inconclusive regarding the impact of this variant on the protein function. Computational splicing tools suggest that this variant may not impact RNA splicing. To our knowledge, functional assays have not been performed for this variant nor has this variant been reported in individuals affected with hereditary cancer in the literature. This variant has not been identified in the general population by the Genome Aggregation Database (gnomAD). Available evidence is insufficient to determine the role of this variant in disease conclusively. Therefore, this variant is classified as a Variant of Uncertain Significance.

This study involves interpretation of variants in research participants for the purpose of population health screening. Participant phenotype was not available at the time of variant classification. Additional details can be found in publication PMID: 35346344, PMCID: PMC8962531

Baylor Genetics
Classification: Uncertain significance for Familial adenomatous polyposis 1. Last evaluated: 2023-10-26. Review status: criteria provided, single submitter. Criteria: ACMG Guidelines, 2015. Collection method: clinical testing. Allele origin: unknown.

Myriad Genetics, Inc.
Classification: Uncertain significance for Familial adenomatous polyposis 1. Last evaluated: 2023-02-14. Review status: criteria provided, single submitter. Criteria: Myriad Autosomal Dominant, Autosomal Recessive and X-Linked Classification Criteria (2023). Collection method: clinical testing. Allele origin: unknown.
Comment: This variant is classified as a variant of uncertain significance as there is insufficient evidence to determine its impact on protein function and/or cancer risk.

Counsyl
Classification: Uncertain significance for Familial adenomatous polyposis 1. Last evaluated: 2018-04-09. Review status: no assertion criteria provided. Collection method: clinical testing. Allele origin: unknown. Not counted in ClinVar's aggregate classification.

NM_000038.6(APC):c.8419A>C (p.Thr2807Pro)

Gene: APC (APC regulator of Wnt signaling pathway; plus strand). Cytogenetic location: 5q22.2.
Variant type: single nucleotide variant.
Coding change: c.8419A>C on transcript NM_000038.6 (MANE Select); coding-DNA position 8419, A replaced by C.
Protein change: p.Thr2807Pro; replaces threonine 2807 with proline.
Molecular consequence: missense variant.
Genome position (GRCh38, 1-based): chr5:112,844,013, A>C. VCF-style: chr5-112844013-A-C. GRCh37 (hg19) VCF-style: chr5-112179710-A-C.
Other names: c.8419A>C, p.Thr2807Pro (NM_001127510.3, NM_001354895.2); c.8365A>C, p.Thr2789Pro (NM_001127511.3); c.8473A>C, p.Thr2825Pro (NM_001354896.2); c.8449A>C, p.Thr2817Pro (NM_001354897.2); c.8344A>C, p.Thr2782Pro (NM_001354898.2); c.8335A>C, p.Thr2779Pro (NM_001354899.2); c.8296A>C, p.Thr2766Pro (NM_001354900.2); c.8242A>C, p.Thr2748Pro (NM_001354901.2); and 5 more; short protein forms T2807P, T2789P, T2524P, T2647P, T2766P, T2817P, T2825P, T2716P.
Identifiers: ClinVar variation 411366 (VCV000411366.22), dbSNP rs894164638, ClinGen allele CA16039597.